The following is an entry in ClinVar:

NM_002439.5(MSH3):c.670C>G (p.Arg224Gly)

Gene: MSH3 (mutS homolog 3; plus strand). Cytogenetic location: 5q14.1.
Variant type: single nucleotide variant.
Coding change: c.670C>G on transcript NM_002439.5 (MANE Select); coding-DNA position 670, C replaced by G.
Protein change: p.Arg224Gly; replaces arginine 224 with glycine.
Molecular consequence: missense variant.
Genome position (GRCh38, 1-based): chr5:80,670,187, C>G. VCF-style: chr5-80670187-C-G. GRCh37 (hg19) VCF-style: chr5-79966006-C-G.
Other names: short protein forms R224G.
Identifiers: ClinVar variation 663083 (VCV000663083.12), dbSNP rs748207601, ClinGen allele CA121293023.

ClinVar aggregate classification (germline): Uncertain significance. Review status: criteria provided, multiple submitters, no conflicts (2 of 4 stars). 2 submissions from 2 submitters: Uncertain significance (2). Last evaluated 2026-01-31.

Conditions:
Hereditary cancer-predisposing syndrome. Also called: Neoplastic Syndromes, Hereditary; Tumor predisposition; Hereditary neoplastic syndrome; Hereditary Cancer Syndrome. Identifiers: Orphanet 140162, MedGen C0027672, MeSH D009386, MONDO:0015356.

Allele frequency attached by ClinVar (database versions not stated): TOPMed 0.00001.

Submissions (2):

Labcorp Genetics (formerly Invitae), Labcorp
Classification: Uncertain significance. Last evaluated: 2026-01-31. Review status: criteria provided, single submitter. Criteria: Invitae Variant Classification Sherloc (09022015). Collection method: clinical testing. Allele origin: germline.
Comment: This sequence change replaces arginine, which is basic and polar, with glycine, which is neutral and non-polar, at codon 224 of the MSH3 protein (p.Arg224Gly). This variant is present in population databases (no rsID available, gnomAD no frequency). This variant has not been reported in the literature in individuals affected with MSH3-related conditions. ClinVar contains an entry for this variant (Variation ID: 663083). An algorithm developed to predict the effect of missense changes on protein structure and function (PolyPhen-2) suggests that this variant is likely to be disruptive. In summary, the available evidence is currently insufficient to determine the role of this variant in disease. Therefore, it has been classified as a Variant of Uncertain Significance.

Ambry Genetics
Classification: Uncertain significance for Hereditary cancer-predisposing syndrome. Last evaluated: 2025-06-23. Review status: criteria provided, single submitter. Criteria: Ambry Variant Classification Scheme 2023. Collection method: clinical testing. Allele origin: germline.
Comment: The p.R224G variant (also known as c.670C>G), located in coding exon 4 of the MSH3 gene, results from a C to G substitution at nucleotide position 670. The arginine at codon 224 is replaced by glycine, an amino acid with dissimilar properties. This amino acid position is highly conserved in available vertebrate species. In addition, this alteration is predicted to be tolerated by in silico analysis. Based on the available evidence, the clinical significance of this variant remains unclear.